The following is an entry in ClinVar:

ClinVar aggregate classification (germline): Pathogenic (1 of 4 stars; one submission).

Conditions:
CHARGE syndrome (CHARGE). Also called: Hittner Hirsch Kreh syndrome; CHARGE ASSOCIATION--COLOBOMA, HEART ANOMALY, CHOANAL ATRESIA, RETARDATION, GENITAL AND EAR ANOMALIES; Coloboma, heart anomaly, choanal atresia, retardation, genital and ear anomalies; CHARGE association; Hall-Hittner syndrome. Identifiers: Orphanet 138, MedGen C0265354, MONDO:0008965.

Submission:

Labcorp Genetics (formerly Invitae), Labcorp
Classification: Pathogenic for CHARGE syndrome. Last evaluated: 2020-04-27. Review status: criteria provided, single submitter. Criteria: Invitae Variant Classification Sherloc (09022015). Collection method: clinical testing. Allele origin: germline.
Comment: This sequence change creates a premature translational stop signal (p.Val2571Leufs*21) in the CHD7 gene. It is expected to result in an absent or disrupted protein product. This variant is not present in population databases (ExAC no frequency). This variant has not been reported in the literature in individuals with CHD7-related conditions. Loss-of-function variants in CHD7 are known to be pathogenic (PMID: 22461308, 25077900). For these reasons, this variant has been classified as Pathogenic.

Literature cited by the submitters: PubMed 22461308; PubMed 25077900.

NM_017780.4(CHD7):c.7710del (p.Val2571fs)

Gene: CHD7 (chromodomain helicase DNA binding protein 7; plus strand). Cytogenetic location: 8q12.2.
Variant type: Deletion.
Coding change: c.7710del on transcript NM_017780.4 (MANE Select); coding-DNA position 7710, one base deleted (T; older notation c.7710delT).
Protein change: p.Val2571fs; shifts the reading frame from valine 2571.
Molecular consequence: frameshift variant. On other transcripts: intron variant (1).
Genome position (GRCh38, 1-based): chr8:60,861,005, T deleted. VCF-style (leftmost placement, unchanged base first): chr8-60861004-CT-C. GRCh37 (hg19) VCF-style: chr8-61773563-CT-C.
Other names: c.1717-1224del (NM_001316690.1); short protein forms V2571fs.
Identifiers: ClinVar variation 1070672 (VCV001070672.7), dbSNP rs2129704530, ClinGen allele CA2499219378.